The following is an entry in ClinVar:

ClinVar aggregate classification (germline): Uncertain significance (1 of 4 stars; one submission).

Allele frequency attached by ClinVar (database versions not stated): ExAC 0.00001; gnomAD 0.00001; gnomAD exomes 0.00001; TOPMed 0.00001.
gnomAD v4.1: 9 of 1,612,658 alleles (0.00056%); highest among the groups gnomAD compares: Non-Finnish European, 0.00076%; no homozygotes.

Submission:

Labcorp Genetics (formerly Invitae), Labcorp
Classification: Uncertain significance. Last evaluated: 2022-11-01. Review status: criteria provided, single submitter. Criteria: Invitae Variant Classification Sherloc (09022015). Collection method: clinical testing. Allele origin: germline.
Comment: Advanced modeling of protein sequence and biophysical properties (such as structural, functional, and spatial information, amino acid conservation, physicochemical variation, residue mobility, and thermodynamic stability) performed at Invitae indicates that this missense variant is not expected to disrupt PITPNM3 protein function. In summary, the available evidence is currently insufficient to determine the role of this variant in disease. Therefore, it has been classified as a Variant of Uncertain Significance. This variant has not been reported in the literature in individuals affected with PITPNM3-related conditions. This variant is present in population databases (rs776724682, gnomAD 0.0009%). This sequence change replaces threonine, which is neutral and polar, with alanine, which is neutral and non-polar, at codon 582 of the PITPNM3 protein (p.Thr582Ala).

NM_031220.4(PITPNM3):c.1744A>G (p.Thr582Ala)

Gene: PITPNM3 (PITPNM family member 3; minus strand). Cytogenetic location: 17p13.2.
Variant type: single nucleotide variant.
Coding change: c.1744A>G on transcript NM_031220.4 (MANE Select); coding-DNA position 1744, A replaced by G.
Protein change: p.Thr582Ala; replaces threonine 582 with alanine.
Molecular consequence: missense variant.
Genome position (GRCh38, 1-based): chr17:6,470,289, T>C on the plus strand (A>G on the coding strand, the complement: PITPNM3 is on the minus strand). VCF-style: chr17-6470289-T-C. GRCh37 (hg19) VCF-style: chr17-6373609-T-C.
Other names: c.1636A>G, p.Thr546Ala (NM_001165966.2); short protein forms T546A, T582A.
Identifiers: ClinVar variation 2098549 (VCV002098549.4), dbSNP rs776724682, ClinGen allele CA8329411.